The following is an entry in ClinVar:

ClinVar aggregate classification (germline): Uncertain significance (1 of 4 stars; one submission).

Submission:

Women's Health and Genetics/Laboratory Corporation of America, LabCorp
Classification: Uncertain significance. Last evaluated: 2025-11-20. Review status: criteria provided, single submitter. Criteria: LabCorp Variant Classification Summary - May 2015. Collection method: clinical testing. Allele origin: germline.
Comment: Variant summary: TMEM67 c.328G>A (p.Asp110Asn) results in a conservative amino acid change in the encoded protein sequence. Algorithms developed to predict the effect of missense changes on protein structure and function are either unavailable or do not agree on the potential impact of this missense change. The variant was absent in 251352 control chromosomes. The available data on variant occurrences in the general population are insufficient to allow any conclusion about variant significance. To our knowledge, no occurrence of c.328G>A in individuals affected with TMEM67-related conditions and no experimental evidence demonstrating its impact on protein function have been reported. No submitters have cited clinical-significance assessments for this variant to ClinVar. Based on the evidence outlined above, the variant was classified as uncertain significance.

NM_153704.6(TMEM67):c.328G>A (p.Asp110Asn)

Gene: TMEM67 (transmembrane protein 67; plus strand). Cytogenetic location: 8q22.1.
Variant type: single nucleotide variant.
Coding change: c.328G>A on transcript NM_153704.6 (MANE Select); coding-DNA position 328, G replaced by A.
Protein change: p.Asp110Asn; replaces aspartic acid 110 with asparagine.
Molecular consequence: missense variant. On other transcripts: 5 prime UTR variant (1), non-coding transcript variant (1).
Genome position (GRCh38, 1-based): chr8:93,758,498, G>A. VCF-style: chr8-93758498-G-A. GRCh37 (hg19) VCF-style: chr8-94770726-G-A.
Other names: c.-50G>A (NM_001142301.1); short protein forms D110N.
Identifiers: ClinVar variation 4537267 (VCV004537267.1).
Genomic context (GRCh38, chr8:93,758,498, plus strand): 5'-AAGTTAATTAAAAAAGAGAAAAGCATTTTTTTTCTTTTAATTTAGAAAGGTGTTACAGAA[G>A]ATGGCTGGAACTGCATTTCTTGCCCTAGTGACTTAACTGCCGAAGGAAAATGTCACTGTC-3'
Protein context (NP_714915.3, residues 100-120): CPENMKGVTE[Asp110Asn]GWNCISCPSD